The following is an entry in ClinVar:

ClinVar aggregate classification (germline): Uncertain significance (1 of 4 stars; one submission).

Conditions:
Irido-corneo-trabecular dysgenesis (ASGD5). Also called: ANTERIOR SEGMENT DYSGENESIS 5. Identifiers: Orphanet 708, MedGen C0344559, MONDO:0011414, OMIM 604229, HP:0000659.
Aniridia 1 (AN1). Identifiers: Orphanet 250923, MedGen C0344542, MONDO:0024507, OMIM 106210.

Submission:

Labcorp Genetics (formerly Invitae), Labcorp
Classification: Uncertain significance for Aniridia 1; Irido-corneo-trabecular dysgenesis. Last evaluated: 2021-10-15. Review status: criteria provided, single submitter. Criteria: Invitae Variant Classification Sherloc (09022015). Collection method: clinical testing. Allele origin: germline.
Comment: In summary, the available evidence is currently insufficient to determine the role of this variant in disease. Therefore, it has been classified as a Variant of Uncertain Significance. Advanced modeling of protein sequence and biophysical properties (such as structural, functional, and spatial information, amino acid conservation, physicochemical variation, residue mobility, and thermodynamic stability) performed at Invitae indicates that this missense variant is expected to disrupt PAX6 protein function. This variant has not been reported in the literature in individuals affected with PAX6-related conditions. This variant is not present in population databases (ExAC no frequency). This sequence change replaces valine with alanine at codon 83 of the PAX6 protein (p.Val83Ala). The valine residue is highly conserved and there is a small physicochemical difference between valine and alanine.

NM_001368894.2(PAX6):c.290T>C (p.Val97Ala)

Gene: PAX6 (paired box 6; minus strand). Cytogenetic location: 11p13.
Variant type: single nucleotide variant.
Coding change: c.290T>C on transcript NM_001368894.2 (MANE Select); coding-DNA position 290, T replaced by C.
Protein change: p.Val97Ala; replaces valine 97 with alanine.
Molecular consequence: missense variant. On other transcripts: 5 prime UTR variant (14), non-coding transcript variant (2), intron variant (8).
Genome position (GRCh38, 1-based): chr11:31,801,670, A>G on the plus strand (T>C on the coding strand, the complement: PAX6 is on the minus strand). VCF-style: chr11-31801670-A-G. GRCh37 (hg19) VCF-style: chr11-31823218-A-G.
Other names: c.248T>C, p.Val83Ala (NM_000280.6, NM_001127612.3, NM_001258464.2 and 10 more transcripts); c.290T>C, p.Val97Ala (NM_001258462.3, NM_001258463.2, NM_001310158.2 and 6 more transcripts); c.-492T>C (NM_001310160.2, NM_001368902.2, NM_001368905.2); c.-161T>C (NM_001310161.3, NM_001368899.2, NM_001368900.2 and 8 more transcripts); c.491T>C, p.Val164Ala (NM_001368910.2); c.293T>C, p.Val98Ala (NM_001368911.2); c.365T>C, p.Val122Ala (NM_001368918.2, NM_001368919.2); c.323T>C, p.Val108Ala (NM_001368920.2); and 2 more; short protein forms V108A, V164A, V122A, V98A, V83A, V97A.
Identifiers: ClinVar variation 1519137 (VCV001519137.6), dbSNP rs2135095172, ClinGen allele CA379958716.
Genomic context (GRCh38, chr11:31,801,670, plus strand): 5'-CGGATTTCCCAAGCAAAGATGGACGGGCACTCCCGCTTATACTGGGCTATTTTGCTTACA[A>G]CTTCTGGAGTCGCTACTCTCGGTTTACTACCACCGATTGCCCTGGGTCTGATGGAGCCAG-3'
Protein context (NP_001355823.1, residues 87-107): GSKPRVATPE[Val97Ala]VSKIAQYKRE